The following is an entry in ClinVar:

NM_001374259.2(IL12RB2):c.2337C>A (p.Pro779=)

Gene: IL12RB2 (interleukin 12 receptor subunit beta 2; plus strand). Cytogenetic location: 1p31.3.
Variant type: single nucleotide variant.
Coding change: c.2337C>A on transcript NM_001374259.2 (MANE Select); coding-DNA position 2337, C replaced by A.
Protein change: p.Pro779=; no amino-acid change (proline 779 retained).
Molecular consequence: synonymous variant. On other transcripts: 3 prime UTR variant (3), non-coding transcript variant (2).
Genome position (GRCh38, 1-based): chr1:67,395,837, C>A. VCF-style: chr1-67395837-C-A. GRCh37 (hg19) VCF-style: chr1-67861520-C-A.
Other names: c.*257C>A (NM_001258214.1, NM_001319233.1); c.2079C>A, p.Pro693= (NM_001258215.1); c.*238C>A (NM_001258216.1); c.2337C>A, p.Pro779= (NM_001559.3).
Identifiers: ClinVar variation 1164694 (VCV001164694.11), dbSNP rs2229546, ClinGen allele CA900711.
Genomic context (GRCh38, chr1:67,395,837, plus strand): 5'-GAGCAGACAACTGGTGGATCTGTACAAGGTGCTGGAGAGCAGGGGCTCCGACCCAAAGCC[C>A]GAAAACCCAGCCTGTCCCTGGACGGTGCTCCCAGCAGGTGACCTTCCCACCCATGATGGC-3'
Protein context (NP_001361188.1, residues 769-789): VLESRGSDPK[Pro779=]ENPACPWTVL

ClinVar aggregate classification (germline): Benign. Review status: criteria provided, multiple submitters, no conflicts (2 of 4 stars). 3 submissions from 3 submitters: Benign (3). Last evaluated 2026-02-04.

Allele frequency attached by ClinVar (database versions not stated): 1000 Genomes Project 30x 0.55418; 1000 Genomes Project 0.55511; TOPMed 0.59176; ESP Exome Variant Server 0.61295.
gnomAD v4.1: 1,058,281 of 1,609,934 alleles (66%); highest among the groups gnomAD compares: Non-Finnish European, 68%; 352,274 homozygotes.

Submissions (3):

Labcorp Genetics (formerly Invitae), Labcorp
Classification: Benign. Last evaluated: 2026-02-04. Review status: criteria provided, single submitter. Criteria: Invitae Variant Classification Sherloc (09022015). Collection method: clinical testing. Allele origin: germline.

Unidad de Genómica Garrahan, Hospital de Pediatría Garrahan
Classification: Benign. Last evaluated: 2023-11-12. Review status: criteria provided, single submitter. Criteria: ACMG Guidelines, 2015. Collection method: clinical testing. Allele origin: germline. Affected: no. Observed: 75 variant alleles.
Comment: This variant is classified as Benign based on local population frequency. This variant was detected in 78% of patients studied by a panel of primary immunodeficiencies. Number of patients: 75. Only high quality variants are reported.

Breakthrough Genomics
Classification: Benign. Review status: criteria provided, single submitter. Criteria: ACMG Guidelines, 2015. Collection method: not provided. Allele origin: germline. Inheritance: Unknown mechanism. Affected: yes.